The following is an entry in ClinVar:

ClinVar aggregate classification (germline): Uncertain significance (1 of 4 stars; one submission).

Submission:

Ambry Genetics
Classification: Uncertain significance. Last evaluated: 2025-10-02. Review status: criteria provided, single submitter. Criteria: Ambry Variant Classification Scheme 2023. Collection method: clinical testing. Allele origin: germline.
Comment: The c.6410G>A (p.G2137E) alteration is located in exon 7 (coding exon 7) of the AHNAK2 gene. This alteration results from a G to A substitution at nucleotide position 6410, causing the glycine (G) at amino acid position 2137 to be replaced by a glutamic acid (E). Based on data from gnomAD, the A allele has an overall frequency of <0.001% (0/182390) total alleles studied. The highest observed frequency was <0.001% (/) of alleles. Based on insufficient or conflicting evidence, the clinical significance of this alteration remains unclear.

NM_138420.4(AHNAK2):c.6410G>A (p.Gly2137Glu)

Gene: AHNAK2 (AHNAK nucleoprotein 2; minus strand). Cytogenetic location: 14q32.33.
Variant type: single nucleotide variant.
Coding change: c.6410G>A on transcript NM_138420.4 (MANE Select); coding-DNA position 6410, G replaced by A.
Protein change: p.Gly2137Glu; replaces glycine 2137 with glutamic acid.
Molecular consequence: missense variant.
Genome position (GRCh38, 1-based): chr14:104,949,041, C>T on the plus strand (G>A on the coding strand, the complement: AHNAK2 is on the minus strand). VCF-style: chr14-104949041-C-T. GRCh37 (hg19) VCF-style: chr14-105415378-C-T.
Other names: c.6110G>A, p.Gly2037Glu (NM_001350929.2); short protein forms G2037E, G2137E.
Identifiers: ClinVar variation 4639337 (VCV004639337.1).